The following is an entry in ClinVar:

ClinVar aggregate classification (germline): Uncertain significance. Review status: criteria provided, multiple submitters, no conflicts (2 of 4 stars). 2 submissions from 2 submitters: Uncertain significance (2). Last evaluated 2025-08-12.

Conditions:
Cardiovascular phenotype. Identifiers: MedGen CN230736.

gnomAD v4.1: 1 of 1,611,318 alleles (0.000062%); highest among the groups gnomAD compares: Non-Finnish European, 0.000085%; no homozygotes.

Submissions (2):

Ambry Genetics
Classification: Uncertain significance for Cardiovascular phenotype. Last evaluated: 2025-08-12. Review status: criteria provided, single submitter. Criteria: Ambry Variant Classification Scheme 2023. Collection method: clinical testing. Allele origin: germline.
Comment: The p.Y384F variant (also known as c.1151A>T), located in coding exon 6 of the LOX gene, results from an A to T substitution at nucleotide position 1151. The tyrosine at codon 384 is replaced by phenylalanine, an amino acid with highly similar properties. This amino acid position is conserved. In addition, this alteration is predicted to be tolerated by in silico analysis. Based on the available evidence, the clinical significance of this variant remains unclear.

Labcorp Genetics (formerly Invitae), Labcorp
Classification: Uncertain significance. Last evaluated: 2023-09-27. Review status: criteria provided, single submitter. Criteria: Invitae Variant Classification Sherloc (09022015). Collection method: clinical testing. Allele origin: germline.
Comment: In summary, the available evidence is currently insufficient to determine the role of this variant in disease. Therefore, it has been classified as a Variant of Uncertain Significance. Advanced modeling of protein sequence and biophysical properties (such as structural, functional, and spatial information, amino acid conservation, physicochemical variation, residue mobility, and thermodynamic stability) has been performed at Invitae for this missense variant, however the output from this modeling did not meet the statistical confidence thresholds required to predict the impact of this variant on LOX protein function. This variant has not been reported in the literature in individuals affected with LOX-related conditions. This variant is present in population databases (no rsID available, gnomAD 0.0009%). This sequence change replaces tyrosine, which is neutral and polar, with phenylalanine, which is neutral and non-polar, at codon 384 of the LOX protein (p.Tyr384Phe).

NM_002317.7(LOX):c.1151A>T (p.Tyr384Phe)

Genes: LOX (lysyl oxidase; minus strand), SRFBP1 (serum response factor binding protein 1; plus strand). Cytogenetic location: 5q23.1.
Variant type: single nucleotide variant.
Coding change: c.1151A>T on transcript NM_002317.7 (MANE Select); coding-DNA position 1151, A replaced by T.
Protein change: p.Tyr384Phe; replaces tyrosine 384 with phenylalanine.
Molecular consequence: missense variant.
Genome position (GRCh38, 1-based): chr5:122,070,149, T>A on the plus strand (A>T on the coding strand, the complement: LOX is on the minus strand). VCF-style: chr5-122070149-T-A. GRCh37 (hg19) VCF-style: chr5-121405844-T-A.
Other names: c.461A>T, p.Tyr154Phe (NM_001178102.2); c.260A>T, p.Tyr87Phe (NM_001317073.1); c.1151A>T (NM_002317.5); short protein forms Y384F, Y87F, Y154F.
Identifiers: ClinVar variation 2825947 (VCV002825947.4), dbSNP rs1339063541, ClinGen allele CA360880323.
Genomic context (GRCh38, chr5:122,070,149, plus strand): 5'-CCTGTGTAGCGAATGTCACAGCGCACAACATTGTTGGTATAGTCAGATTCAGGAACCAGG[T>A]AGCTGGGGTTTACACTGACCTGGGCAACACAAAGAGTTCCTCAGTATTTCTTTTTCCATA-3'
Protein context (NP_002308.2, residues 374-394): YILKVSVNPS[Tyr384Phe]LVPESDYTNN